The following is an entry in ClinVar:

NM_006073.4(TRDN):c.1369+2del

Gene: TRDN (triadin; minus strand). Cytogenetic location: 6q22.31.
Variant type: Deletion.
Coding change: c.1369+2del on transcript NM_006073.4 (MANE Select); the canonical splice donor site of the intron after coding-DNA position 1369, one base deleted (T; older notation c.1369+2delT).
Molecular consequence: splice donor variant. On other transcripts: frameshift variant (2).
Genome position (GRCh38, 1-based): chr6:123,352,537, A deleted on the plus strand (T on the coding strand, the reverse complement: TRDN is on the minus strand). VCF-style (leftmost placement, unchanged base first): chr6-123352536-TA-T. GRCh37 (hg19) VCF-style: chr6-123673681-TA-T.
Other names: c.1374del, p.Lys461fs (NM_001251987.2); c.1314del, p.Lys441fs (NM_001407315.1); short protein forms K461fs, K441fs.
Identifiers: ClinVar variation 2047606 (VCV002047606.4), dbSNP rs766427461, ClinGen allele CA3983984.

ClinVar aggregate classification (germline): Uncertain significance (1 of 4 stars; one submission).

Conditions:
Catecholaminergic polymorphic ventricular tachycardia 1. Also called: VENTRICULAR TACHYCARDIA, CATECHOLAMINERGIC POLYMORPHIC, 1, WITH OR WITHOUT ATRIAL DYSFUNCTION AND/OR DILATED CARDIOMYOPATHY; RYR2-Related Catecholaminergic Polymorphic Ventricular Tachycardia; VENTRICULAR TACHYCARDIA, STRESS-INDUCED POLYMORPHIC 1. Identifiers: Orphanet 3286, MedGen C1631597, MONDO:0011484, OMIM 604772.

Allele frequency attached by ClinVar (database versions not stated): gnomAD exomes below 0.00001; ExAC 0.00001.

Submission:

Labcorp Genetics (formerly Invitae), Labcorp
Classification: Uncertain significance for Catecholaminergic polymorphic ventricular tachycardia 1. Last evaluated: 2022-04-22. Review status: criteria provided, single submitter. Criteria: Invitae Variant Classification Sherloc (09022015). Collection method: clinical testing. Allele origin: germline.
Comment: In summary, the available evidence is currently insufficient to determine the role of this variant in disease. Therefore, it has been classified as a Variant of Uncertain Significance. Algorithms developed to predict the effect of sequence changes on RNA splicing suggest that this variant may disrupt the consensus splice site. This variant has not been reported in the literature in individuals affected with TRDN-related conditions. This variant is present in population databases (rs766427461, gnomAD 0.0009%). This sequence change affects a splice site in intron 21 of the TRDN gene. It is expected to disrupt RNA splicing. Variants that disrupt the donor or acceptor splice site typically lead to a loss of protein function (PMID: 16199547), however the current clinical and genetic evidence is not sufficient to establish whether loss-of-function variants in TRDN cause disease.

Literature cited by the submitters: PubMed 16199547.